The following is an entry in ClinVar:

ClinVar aggregate classification (germline): Uncertain significance (1 of 4 stars; one submission).

Submission:

Labcorp Genetics (formerly Invitae), Labcorp
Classification: Uncertain significance. Last evaluated: 2025-04-27. Review status: criteria provided, single submitter. Criteria: Invitae Variant Classification Sherloc (09022015). Collection method: clinical testing. Allele origin: germline.
Comment: This sequence change replaces serine, which is neutral and polar, with arginine, which is basic and polar, at codon 102 of the YWHAG protein (p.Ser102Arg). This variant is not present in population databases (gnomAD no frequency). This variant has not been reported in the literature in individuals affected with YWHAG-related conditions. Invitae Evidence Modeling of protein sequence and biophysical properties (such as structural, functional, and spatial information, amino acid conservation, physicochemical variation, residue mobility, and thermodynamic stability) indicates that this missense variant is not expected to disrupt YWHAG protein function with a negative predictive value of 80%. In summary, the available evidence is currently insufficient to determine the role of this variant in disease. Therefore, it has been classified as a Variant of Uncertain Significance.

NM_012479.4(YWHAG):c.304A>C (p.Ser102Arg)

Gene: YWHAG (tyrosine 3-monooxygenase/tryptophan 5-monooxygenase activation protein gamma; minus strand). Cytogenetic location: 7q11.23.
Variant type: single nucleotide variant.
Coding change: c.304A>C on transcript NM_012479.4 (MANE Select); coding-DNA position 304, A replaced by C.
Protein change: p.Ser102Arg; replaces serine 102 with arginine.
Molecular consequence: missense variant.
Genome position (GRCh38, 1-based): chr7:76,330,017, T>G on the plus strand (A>C on the coding strand, the complement: YWHAG is on the minus strand). VCF-style: chr7-76330017-T-G. GRCh37 (hg19) VCF-style: chr7-75959334-T-G.
Other names: short protein forms S102R.
Identifiers: ClinVar variation 4810217 (VCV004810217.1).